The following is an entry in ClinVar:

ClinVar aggregate classification (germline): Pathogenic/Likely pathogenic. Review status: criteria provided, multiple submitters, no conflicts (2 of 4 stars). 3 submissions from 3 submitters: Pathogenic (1); Likely pathogenic (1). 1 of the submissions does not count toward it. Last evaluated 2026-05-29.

Conditions:
Spermatogenic failure 84 (SPGF84). Identifiers: MedGen C5830562, MONDO:0957301, OMIM 620409.
Situs inversus. Also called: Situs inversus totalis. Identifiers: Orphanet 101063, MedGen C4551493, MONDO:0010029, HP:0001696.

Allele frequency attached by ClinVar (database versions not stated): gnomAD 0.00009; ExAC 0.00010; TOPMed 0.00015.
gnomAD v4.1: 117 of 1,614,018 alleles (0.0072%); highest among the groups gnomAD compares: East Asian, 0.082%; 1 homozygote.

Submissions (3):

Research Center of Medical Experimental Technology, The Third Xiangya Hospital of Central South University
Classification: Likely pathogenic for Situs inversus. Last evaluated: 2026-05-29. Review status: criteria provided, single submitter. Criteria: ACMG Guidelines, 2015. Collection method: clinical testing. Allele origin: germline. Affected: yes.
Comment: The c.1654C>T (p.Arg552Cys) variant is located in exon 16 of the CFAP61 gene. This alteration results from a C to T substitution at nucleotide position 1654, causing the arginine (Arg) at amino acid position 552 to be replaced by the cysteine (Cys). This variant is present in the general population databases (rs370567248, gnomAD 0.0099%), and predicted to be deleterious by multiple in silico tools (SIFT: damaging, PROVEAN: deleterious, PolyPhen-2: possibly damaging, CADD: deleterious). This variant has been reported to be in trans with a heterozygous pathogenic variant in an individual with severe oligoasthenoteratozoospermia (PMID: 35387802). ClinVar contains an entry for this variant (Variation ID: 2504103).

First Genomix Gene Laboratory, Genetic Diagnostics Department
Classification: Pathogenic for Spermatogenic failure 84. Last evaluated: 2025-01-08. Review status: criteria provided, single submitter. Criteria: ACMG Guidelines, 2015. Collection method: clinical testing. Allele origin: germline. Inheritance: Autosomal recessive inheritance. Affected: no. Observed: 1 variant allele.

OMIM
Classification: Pathogenic for SPERMATOGENIC FAILURE 84. Last evaluated: 2023-06-02. Review status: no assertion criteria provided. Collection method: literature only. Allele origin: germline. Not counted in ClinVar's aggregate classification.

Literature cited by the submitters: PubMed 35387802 (cited by Research Center of Medical Experimental Technology, The Third Xiangya Hospital of Central South University and OMIM).

NM_015585.4(CFAP61):c.1654C>T (p.Arg552Cys)

Gene: CFAP61 (cilia and flagella associated protein 61; plus strand). Cytogenetic location: 20p11.23.
Variant type: single nucleotide variant.
Coding change: c.1654C>T on transcript NM_015585.4 (MANE Select); coding-DNA position 1654, C replaced by T.
Protein change: p.Arg552Cys; replaces arginine 552 with cysteine.
Molecular consequence: missense variant.
Genome position (GRCh38, 1-based): chr20:20,196,633, C>T. VCF-style: chr20-20196633-C-T. GRCh37 (hg19) VCF-style: chr20-20177277-C-T.
Other names: NP_056400.3:p.Arg552Cys; short protein forms R552C.
Identifiers: ClinVar variation 2504103 (VCV002504103.3), dbSNP rs370567248, ClinGen allele CA9781970.